The following is an entry in ClinVar:

ClinVar aggregate classification (germline): Uncertain significance (1 of 4 stars; one submission).

Conditions:
Joubert syndrome. Also called: CEREBELLOPARENCHYMAL DISORDER IV; JOUBERT-BOLTSHAUSER SYNDROME; Familial aplasia of the vermis. Identifiers: Orphanet 475, MedGen C5979921, MONDO:0018772.
Orofaciodigital syndrome I (OFD1). Also called: OFDS I; Papillon-Leage and Psaume Syndrome; Oral-Facial-Digital Syndrome Type I. Identifiers: Orphanet 2750, MedGen C1510460, MONDO:0010702, OMIM 311200.

Submission:

Labcorp Genetics (formerly Invitae), Labcorp
Classification: Uncertain significance for Orofaciodigital syndrome I; Joubert syndrome. Last evaluated: 2024-05-02. Review status: criteria provided, single submitter. Criteria: Invitae Variant Classification Sherloc (09022015). Collection method: clinical testing. Allele origin: germline.
Comment: This sequence change replaces glutamine, which is neutral and polar, with arginine, which is basic and polar, at codon 314 of the OFD1 protein (p.Gln314Arg). This variant is not present in population databases (gnomAD no frequency). This variant has not been reported in the literature in individuals affected with OFD1-related conditions. Advanced modeling of protein sequence and biophysical properties (such as structural, functional, and spatial information, amino acid conservation, physicochemical variation, residue mobility, and thermodynamic stability) performed at Invitae indicates that this missense variant is not expected to disrupt OFD1 protein function with a negative predictive value of 80%. In summary, the available evidence is currently insufficient to determine the role of this variant in disease. Therefore, it has been classified as a Variant of Uncertain Significance.

NM_003611.3(OFD1):c.941A>G (p.Gln314Arg)

Gene: OFD1 (OFD1 centriole and centriolar satellite protein; plus strand). Cytogenetic location: Xp22.2.
Variant type: single nucleotide variant.
Coding change: c.941A>G on transcript NM_003611.3 (MANE Select); coding-DNA position 941, A replaced by G.
Protein change: p.Gln314Arg; replaces glutamine 314 with arginine.
Molecular consequence: missense variant. On other transcripts: intron variant (1).
Genome position (GRCh38, 1-based): chrX:13,751,254, A>G. VCF-style: chrX-13751254-A-G. GRCh37 (hg19) VCF-style: chrX-13769373-A-G.
Other names: c.521A>G, p.Gln174Arg (NM_001330210.2); c.935+1721A>G (NM_001330209.2); short protein forms Q174R, Q314R.
Identifiers: ClinVar variation 3749663 (VCV003749663.2).